The following is an entry in ClinVar:

ClinVar aggregate classification (germline): Uncertain significance (1 of 4 stars; one submission).

Allele frequency attached by ClinVar (database versions not stated): gnomAD exomes below 0.00001.

Submission:

Labcorp Genetics (formerly Invitae), Labcorp
Classification: Uncertain significance. Last evaluated: 2024-01-21. Review status: criteria provided, single submitter. Criteria: Invitae Variant Classification Sherloc (09022015). Collection method: clinical testing. Allele origin: germline.
Comment: This sequence change replaces methionine, which is neutral and non-polar, with threonine, which is neutral and polar, at codon 290 of the JAK1 protein (p.Met290Thr). This variant is not present in population databases (gnomAD no frequency). This variant has not been reported in the literature in individuals affected with JAK1-related conditions. ClinVar contains an entry for this variant (Variation ID: 1519875). Advanced modeling of protein sequence and biophysical properties (such as structural, functional, and spatial information, amino acid conservation, physicochemical variation, residue mobility, and thermodynamic stability) performed at Invitae indicates that this missense variant is not expected to disrupt JAK1 protein function with a negative predictive value of 80%. In summary, the available evidence is currently insufficient to determine the role of this variant in disease. Therefore, it has been classified as a Variant of Uncertain Significance.

NM_002227.4(JAK1):c.869T>C (p.Met290Thr)

Gene: JAK1 (Janus kinase 1; minus strand). Cytogenetic location: 1p31.3.
Variant type: single nucleotide variant.
Coding change: c.869T>C on transcript NM_002227.4 (MANE Select); coding-DNA position 869, T replaced by C.
Protein change: p.Met290Thr; replaces methionine 290 with threonine.
Molecular consequence: missense variant.
Genome position (GRCh38, 1-based): chr1:64,866,987, A>G on the plus strand (T>C on the coding strand, the complement: JAK1 is on the minus strand). VCF-style: chr1-64866987-A-G. GRCh37 (hg19) VCF-style: chr1-65332670-A-G.
Other names: c.869T>C, p.Met290Thr (NM_001320923.2, NM_001321852.2, NM_001321853.2 and 4 more transcripts); short protein forms M290T.
Identifiers: ClinVar variation 1519875 (VCV001519875.6), dbSNP rs2101114655, ClinGen allele CA340675152.